The following is an entry in ClinVar:

ClinVar aggregate classification (germline): Uncertain significance (1 of 4 stars; one submission).

gnomAD v4.1: 9 of 1,500,124 alleles (0.0006%); highest among the groups gnomAD compares: East Asian, 0.011%; no homozygotes.

Submission:

Women's Health and Genetics/Laboratory Corporation of America, LabCorp
Classification: Uncertain significance. Last evaluated: 2025-01-02. Review status: criteria provided, single submitter. Criteria: LabCorp Variant Classification Summary - May 2015. Collection method: clinical testing. Allele origin: germline.
Comment: Variant summary: KMT2C c.2770G>A (p.Val924Met) results in a conservative amino acid change in the encoded protein sequence. Three of four in-silico tools predict a damaging effect of the variant on protein function. The variant affects the first nucleotide of exon 17, and several computational tools predict a significant impact on normal splicing: 2 of 4 predict the variant weakens a 3' acceptor site. However, these predictions have yet to be confirmed by functional studies. The variant allele was found at a frequency of 2.9e-05 in 206466 control chromosomes (gnomAD v2.1). The available data on variant occurrences in the general population are insufficient to allow any conclusion about variant significance. To our knowledge, no occurrence of c.2770G>A in individuals affected with Kleefstra Syndrome 2 and no experimental evidence demonstrating its impact on protein function have been reported. No submitters have cited clinical-significance assessments for this variant to ClinVar. Based on the evidence outlined above, the variant was classified as uncertain significance.

NM_170606.3(KMT2C):c.2770G>A (p.Val924Met)

Gene: KMT2C (lysine methyltransferase 2C; minus strand). Cytogenetic location: 7q36.1.
Variant type: single nucleotide variant.
Coding change: c.2770G>A on transcript NM_170606.3 (MANE Select); coding-DNA position 2770, G replaced by A.
Protein change: p.Val924Met; replaces valine 924 with methionine.
Molecular consequence: missense variant.
Genome position (GRCh38, 1-based): chr7:152,230,321, C>T on the plus strand (G>A on the coding strand, the complement: KMT2C is on the minus strand). VCF-style: chr7-152230321-C-T. GRCh37 (hg19) VCF-style: chr7-151927406-C-T.
Other names: short protein forms V924M.
Identifiers: ClinVar variation 3769320 (VCV003769320.2).